The following is an entry in ClinVar:

ClinVar aggregate classification (germline): Uncertain significance (1 of 4 stars; one submission).

Submission:

Labcorp Genetics (formerly Invitae), Labcorp
Classification: Uncertain significance. Last evaluated: 2025-12-23. Review status: criteria provided, single submitter. Criteria: Invitae Variant Classification Sherloc (09022015). Collection method: clinical testing. Allele origin: germline.
Comment: This variant results in the deletion of part of exon 4 (c.184-15_185del) of the COL9A3 gene. It is expected to disrupt RNA splicing. Variants that disrupt the donor or acceptor splice site typically lead to a loss of protein function (PMID: 16199547), however the current clinical and genetic evidence is not sufficient to establish whether loss-of-function variants in COL9A3 cause disease. This variant is not present in population databases (gnomAD no frequency). This variant has not been reported in the literature in individuals affected with COL9A3-related conditions. In summary, the available evidence is currently insufficient to determine the role of this variant in disease. Therefore, it has been classified as a Variant of Uncertain Significance.

Literature cited by the submitters: PubMed 16199547.

NM_001853.4(COL9A3):c.184-15_185del

Gene: COL9A3 (collagen type IX alpha 3 chain; plus strand). Cytogenetic location: 20q13.33.
Variant type: Deletion.
Coding change: c.184-15_185del on transcript NM_001853.4 (MANE Select); 15 bases into the intron before coding-DNA position 184 through coding-DNA position 185, 17 bases deleted (TTTCCTCCTGCACAGGG).
Molecular consequence: splice acceptor variant.
Genome position (GRCh38, 1-based): chr20:62,819,207-62,819,223, TTTCCTCCTGCACAGGG deleted. VCF-style (leftmost placement, unchanged base first): chr20-62819206-CTTTCCTCCTGCACAGGG-C. GRCh37 (hg19) VCF-style: chr20-61450558-CTTTCCTCCTGCACAGGG-C.
Identifiers: ClinVar variation 4734029 (VCV004734029.1).